The following is an entry in ClinVar:

NM_033022.4(RPS24):c.100A>G (p.Thr34Ala)

Gene: RPS24 (ribosomal protein S24; plus strand). Cytogenetic location: 10q22.3.
Variant type: single nucleotide variant.
Coding change: c.100A>G on transcript NM_033022.4 (MANE Select); coding-DNA position 100, A replaced by G.
Protein change: p.Thr34Ala; replaces threonine 34 with alanine.
Molecular consequence: missense variant.
Genome position (GRCh38, 1-based): chr10:78,035,541, A>G. VCF-style: chr10-78035541-A-G. GRCh37 (hg19) VCF-style: chr10-79795299-A-G.
Other names: c.100A>G, p.Thr34Ala (NM_001026.5, NM_001142282.2, NM_001142283.2 and 2 more transcripts); short protein forms T34A.
Identifiers: ClinVar variation 3770022 (VCV003770022.2).

ClinVar aggregate classification (germline): Uncertain significance (1 of 4 stars; one submission).

Submission:

GeneDx
Classification: Uncertain significance. Last evaluated: 2025-12-15. Review status: criteria provided, single submitter. Criteria: GeneDx Variant Classification Process June 2021. Collection method: clinical testing. Allele origin: germline.
Comment: Not observed at significant frequency in large population cohorts (gnomAD); In silico analysis supports that this missense variant has a deleterious effect on protein structure/function; Has not been previously published as pathogenic or benign to our knowledge